The following is an entry in ClinVar:

ClinVar aggregate classification (germline): Benign. Review status: reviewed by expert panel (3 of 4 stars). 9 submissions from 9 submitters: Benign (1). 8 of the submissions do not count toward it. Last evaluated 2017-05-09.

Conditions:
Cardiofaciocutaneous syndrome 4 (CFC4). Also called: MAP2K2-Related Cardiofaciocutaneous Syndrome. Identifiers: Orphanet 1340, MedGen C3809007, MONDO:0014114, OMIM 615280.
RASopathy. Also called: rasopathies; Noonan spectrum disorder. Identifiers: Orphanet 536391, MedGen C5555857, MONDO:0021060.

Allele frequency attached by ClinVar (database versions not stated): gnomAD exomes 0.00006 and 0.00016; ExAC 0.00042; gnomAD 0.00061 and 0.00065; TOPMed 0.00063; 1000 Genomes Project 30x 0.00078; ESP Exome Variant Server 0.00078; 1000 Genomes Project 0.00100.
gnomAD v4.1: 176 of 1,549,016 alleles (0.011%); highest among the groups gnomAD compares: African/African-American, 0.2%; no homozygotes.

Submissions (9):

ClinGen RASopathy Variant Curation Expert Panel
Classification: Benign for Noonan syndrome and Noonan-related syndrome. Last evaluated: 2017-05-09. Review status: reviewed by expert panel. Criteria: ClinGen RASopathy ACMG Specifications v1. Collection method: curation. Allele origin: germline. Inheritance: Autosomal dominant inheritance.
Comment: The filtering allele frequency of the c.1093-6T>C variant in the MAP2K2 gene is 0.166% (9/2834) of African chromosomes by the Exome Aggregation Consortium, which is a high enough frequency to be classified as benign based on thresholds defined by the ClinGen RASopathy Expert Panel (BA1; PMID:29493581)

Labcorp Genetics (formerly Invitae), Labcorp
Classification: Likely benign for RASopathy. Last evaluated: 2026-02-03. Review status: criteria provided, single submitter. Criteria: Invitae Variant Classification Sherloc (09022015). Collection method: clinical testing. Allele origin: germline. Not counted in ClinVar's aggregate classification.

CeGaT Center for Human Genetics Tuebingen
Classification: Likely benign. Last evaluated: 2025-01-01. Review status: criteria provided, single submitter. Criteria: CeGaT Center For Human Genetics Tuebingen Variant Classification Criteria Version 2. Collection method: clinical testing. Allele origin: germline. Affected: yes. Observed: 1 variant allele. Not counted in ClinVar's aggregate classification.
Comment: MAP2K2: BP4, BS1

Blueprint Genetics
Classification: Likely benign. Last evaluated: 2024-10-09. Review status: criteria provided, single submitter. Criteria: ACMG Guidelines, 2015. Collection method: clinical testing. Allele origin: germline. Not counted in ClinVar's aggregate classification.

Mayo Clinic Laboratories, Mayo Clinic
Classification: Likely benign. Last evaluated: 2024-06-21. Review status: criteria provided, single submitter. Criteria: ACMG Guidelines, 2015. Collection method: clinical testing. Allele origin: germline. Observed: 2 variant alleles. Not counted in ClinVar's aggregate classification.
Comment: BS1, BP4, BP7

ARUP Laboratories, Molecular Genetics and Genomics, ARUP Laboratories
Classification: Benign for Cardiofaciocutaneous syndrome 4. Last evaluated: 2023-09-29. Review status: criteria provided, single submitter. Criteria: ARUP Molecular Germline Variant Investigation Process 2024. Collection method: clinical testing. Allele origin: germline. Not counted in ClinVar's aggregate classification.

GeneDx
Classification: Benign. Last evaluated: 2019-12-18. Review status: criteria provided, single submitter. Criteria: GeneDx Variant Classification Process June 2021. Collection method: clinical testing. Allele origin: germline. Affected: yes. Not counted in ClinVar's aggregate classification.

Women's Health and Genetics/Laboratory Corporation of America, LabCorp
Classification: Benign. Last evaluated: 2016-08-15. Review status: criteria provided, single submitter. Criteria: LabCorp Variant Classification Summary - May 2015. Collection method: clinical testing. Allele origin: germline. Not counted in ClinVar's aggregate classification.
Comment: Variant summary: The MAP2K2 c.1093-6T>C variant involves the alteration of a conserved intronic nucleotide. Mutation Taster predicts a benign outcome for this variant. 5/5 splice prediction tools predict no significant impact on normal splicing. However, these predictions have yet to be confirmed by functional studies. This variant was found in 9/21250 control chromosomes, predominantly observed in the African subpopulation at a frequency of 0.0031757 (9/2834). This frequency is about 1270 times the estimated maximal expected allele frequency of a pathogenic MAP2K2 variant (0.0000025), suggesting this is likely a benign polymorphism found primarily in the populations of African origin. One clinical diagnostic laboratory has classified this variant as likely benign. The variant of interest has not, to our knowledge, been reported in affected individuals via publications. Taken together, this variant is classified as Benign.

Laboratory for Molecular Medicine, Mass General Brigham Personalized Medicine
Classification: Likely benign. Last evaluated: 2012-06-28. Review status: criteria provided, single submitter. Criteria: LMM Criteria. Collection method: clinical testing. Allele origin: germline. Observed: 3 variant alleles. Not counted in ClinVar's aggregate classification.
Comment: 1093-6C>T in intron 10 of MAP2K2: This variant is not expected to have clinical significance because it has been identified in 0.23% (10/4324) of African Americ an chromosomes from a broad population by the NHLBI Exome Sequencing Project. In addition, splicing variants have not been r eported in Noonan syndrome.

NM_030662.4(MAP2K2):c.1093-6T>C

Gene: MAP2K2 (mitogen-activated protein kinase kinase 2; minus strand). Cytogenetic location: 19p13.3.
Variant type: single nucleotide variant.
Coding change: c.1093-6T>C on transcript NM_030662.4 (MANE Select); 6 bases into the intron before coding-DNA position 1093, T replaced by C.
Molecular consequence: intron variant.
Genome position (GRCh38, 1-based): chr19:4,090,714, A>G on the plus strand (T>C on the coding strand, the complement: MAP2K2 is on the minus strand). VCF-style: chr19-4090714-A-G. GRCh37 (hg19) VCF-style: chr19-4090712-A-G.
Other names: p.?.
Identifiers: ClinVar variation 46228 (VCV000046228.33), dbSNP rs369681843, ClinGen allele CA137912.